The following is an entry in ClinVar:

NM_007186.6(CEP250):c.3616G>T (p.Gly1206Trp)

Gene: CEP250 (centrosomal protein 250; plus strand). Cytogenetic location: 20q11.22.
Variant type: single nucleotide variant.
Coding change: c.3616G>T on transcript NM_007186.6 (MANE Select); coding-DNA position 3616, G replaced by T.
Protein change: p.Gly1206Trp; replaces glycine 1206 with tryptophan.
Molecular consequence: missense variant.
Genome position (GRCh38, 1-based): chr20:35,498,028, G>T. VCF-style: chr20-35498028-G-T. GRCh37 (hg19) VCF-style: chr20-34085857-G-T.
Other names: c.1720G>T, p.Gly574Trp (NM_001318219.1); short protein forms G574W, G1206W.
Identifiers: ClinVar variation 1414756 (VCV001414756.9), dbSNP rs377013576, ClinGen allele CA9833504.

ClinVar aggregate classification (germline): Conflicting classifications of pathogenicity. Review status: criteria provided, conflicting classifications (1 of 4 stars). 2 submissions from 2 submitters: Uncertain significance (1); Likely benign (1). Last evaluated 2023-10-20.

Allele frequency attached by ClinVar (database versions not stated): 1000 Genomes Project 30x 0.00016; 1000 Genomes Project 0.00020.
gnomAD v4.1: 14 of 1,598,440 alleles (0.00088%); highest among the groups gnomAD compares: East Asian, 0.032%; no homozygotes.

Submissions (2):

Blueprint Genetics
Classification: Likely benign. Last evaluated: 2023-10-20. Review status: criteria provided, single submitter. Criteria: ACMG Guidelines, 2015. Collection method: clinical testing. Allele origin: germline.

Labcorp Genetics (formerly Invitae), Labcorp
Classification: Uncertain significance. Last evaluated: 2022-03-21. Review status: criteria provided, single submitter. Criteria: Invitae Variant Classification Sherloc (09022015). Collection method: clinical testing. Allele origin: germline.
Comment: In summary, the available evidence is currently insufficient to determine the role of this variant in disease. Therefore, it has been classified as a Variant of Uncertain Significance. Algorithms developed to predict the effect of missense changes on protein structure and function are either unavailable or do not agree on the potential impact of this missense change (SIFT: "Not Available"; PolyPhen-2: "Probably Damaging"; Align-GVGD: "Not Available"). This variant has not been reported in the literature in individuals affected with CEP250-related conditions. This variant is present in population databases (rs377013576, gnomAD 0.06%). This sequence change replaces glycine, which is neutral and non-polar, with tryptophan, which is neutral and slightly polar, at codon 1206 of the CEP250 protein (p.Gly1206Trp).